The following is an entry in ClinVar:

ClinVar aggregate classification (germline): Uncertain significance (1 of 4 stars; one submission).

Conditions:
TBC1D1-related disorder. Also called: TBC1D1-related condition.

Submission:

PreventionGenetics, part of Exact Sciences
Classification: Uncertain significance for TBC1D1-related condition. Last evaluated: 2022-12-08. Review status: criteria provided, single submitter. Criteria: ACMG Guidelines, 2015. Collection method: clinical testing. Allele origin: germline.
Comment: The TBC1D1 c.1341_1344delGATT variant is predicted to result in a frameshift and premature protein termination (p.Ile448Phefs*4). To our knowledge, this variant has not been reported in the literature. This variant is reported in 0.0044% of alleles in individuals of European (Non-Finnish) descent in gnomAD. Loss-of-function has not been established as a disease mechanism for this gene, and therefore the clinical significance of this variant is currently uncertain due to the absence of conclusive functional and genetic evidence.

NM_001396959.1(TBC1D1):c.1341_1344del (p.Ile448fs)

Gene: TBC1D1 (TBC1 domain family member 1; plus strand). Cytogenetic location: 4p14.
Variant type: Deletion.
Coding change: c.1341_1344del on transcript NM_001396959.1 (MANE Select); coding-DNA positions 1341 to 1344, 4 bases deleted (GATT; older notation c.1341_1344delGATT).
Protein change: p.Ile448fs; shifts the reading frame from isoleucine 448.
Molecular consequence: frameshift variant.
Genome position (GRCh38, 1-based): chr4:38,035,626-38,035,629, GATT deleted; deleting any 4 consecutive bases within chr4:38,035,623-38,035,629 gives the same sequence; the c. name uses the placement nearest the transcript's 3' end. VCF-style (leftmost placement, unchanged base first): chr4-38035622-AATTG-A. GRCh37 (hg19) VCF-style: chr4-38037243-AATTG-A.
Other names: c.1341_1344del, p.Ile448fs (NM_001253912.2, NM_015173.4); short protein forms I448fs.
Identifiers: ClinVar variation 2629467 (VCV002629467.1), dbSNP rs778703565, ClinGen allele CA2887717.